The following is an entry in ClinVar:

ClinVar aggregate classification (germline): Likely benign. Review status: criteria provided, multiple submitters, no conflicts (2 of 4 stars). 5 submissions from 5 submitters: Likely benign (4). 1 of the submissions does not count toward it. Last evaluated 2025-12-30.

Conditions:
SI-related disorder. Also called: SI-related condition.
Sucrase-isomaltase deficiency (CSID). Also called: SI DEFICIENCY; Congenital sucrose isomaltose malabsorption; Sucrose isomaltose enzyme deficiency; Deficiency of isomaltase. Identifiers: Orphanet 35122, MedGen C1283620, MONDO:0009114, OMIM 222900.

Allele frequency attached by ClinVar (database versions not stated): gnomAD exomes 0.00004 and 0.00014; ExAC 0.00018; 1000 Genomes Project 0.00040; gnomAD 0.00043 and 0.00047; 1000 Genomes Project 30x 0.00047; TOPMed 0.00055; ESP Exome Variant Server 0.00077.
gnomAD v4.1: 131 of 1,605,610 alleles (0.0082%); highest among the groups gnomAD compares: African/African-American, 0.15%; no homozygotes.

Submissions (5):

Labcorp Genetics (formerly Invitae), Labcorp
Classification: Likely benign. Last evaluated: 2025-12-30. Review status: criteria provided, single submitter. Criteria: Invitae Variant Classification Sherloc (09022015). Collection method: clinical testing. Allele origin: germline.

Blueprint Genetics
Classification: Likely benign. Last evaluated: 2022-08-09. Review status: criteria provided, single submitter. Criteria: ACMG Guidelines, 2015. Collection method: clinical testing. Allele origin: germline.

Fulgent Genetics
Classification: Likely benign for Sucrase-isomaltase deficiency. Last evaluated: 2021-08-05. Review status: criteria provided, single submitter. Criteria: ACMG Guidelines, 2015. Collection method: clinical testing. Allele origin: unknown.

Breakthrough Genomics
Classification: Likely benign. Review status: criteria provided, single submitter. Criteria: ACMG Guidelines, 2015. Collection method: not provided. Allele origin: germline. Inheritance: Autosomal recessive inheritance. Affected: yes.

PreventionGenetics, part of Exact Sciences
Classification: Likely benign for SI-related condition. Last evaluated: 2019-09-26. Review status: no assertion criteria provided. Collection method: clinical testing. Allele origin: germline. Not counted in ClinVar's aggregate classification.
Comment: This variant is classified as likely benign based on ACMG/AMP sequence variant interpretation guidelines (Richards et al. 2015 PMID: 25741868, with internal and published modifications).

NM_001041.4(SI):c.2721T>C (p.Tyr907=)

Gene: SI (sucrase-isomaltase; minus strand). Cytogenetic location: 3q26.1.
Variant type: single nucleotide variant.
Coding change: c.2721T>C on transcript NM_001041.4 (MANE Select); coding-DNA position 2721, T replaced by C.
Protein change: p.Tyr907=; no amino-acid change (tyrosine 907 retained).
Molecular consequence: synonymous variant.
Genome position (GRCh38, 1-based): chr3:165,032,537, A>G on the plus strand (T>C on the coding strand, the complement: SI is on the minus strand). VCF-style: chr3-165032537-A-G. GRCh37 (hg19) VCF-style: chr3-164750325-A-G.
Other names: c.2721T>C (NM_001041.3).
Identifiers: ClinVar variation 1569117 (VCV001569117.13), dbSNP rs140829463, ClinGen allele CA2690562.